The following is an entry in ClinVar:

ClinVar aggregate classification (germline): Uncertain significance (1 of 4 stars; one submission).

gnomAD v4.1: 1 of 1,614,114 alleles (0.000062%); highest among the groups gnomAD compares: Non-Finnish European, 0.000085%; no homozygotes.

Submission:

GeneDx
Classification: Uncertain significance. Last evaluated: 2025-06-29. Review status: criteria provided, single submitter. Criteria: GeneDx Variant Classification Process June 2021. Collection method: clinical testing. Allele origin: germline. Affected: yes.
Comment: Not observed at significant frequency in large population cohorts (gnomAD); In silico analysis supports that this missense variant has a deleterious effect on protein structure/function; Has not been previously published as pathogenic or benign to our knowledge

NM_001372066.1(TFAP2A):c.1193C>A (p.Thr398Lys)

Gene: TFAP2A (transcription factor AP-2 alpha; minus strand). Cytogenetic location: 6p24.3.
Variant type: single nucleotide variant.
Coding change: c.1193C>A on transcript NM_001372066.1 (MANE Select); coding-DNA position 1193, C replaced by A.
Protein change: p.Thr398Lys; replaces threonine 398 with lysine.
Molecular consequence: missense variant.
Genome position (GRCh38, 1-based): chr6:10,398,544, G>T on the plus strand (C>A on the coding strand, the complement: TFAP2A is on the minus strand). VCF-style: chr6-10398544-G-T. GRCh37 (hg19) VCF-style: chr6-10398777-G-T.
Other names: c.1169C>A, p.Thr390Lys (NM_001032280.3); c.1175C>A, p.Thr392Lys (NM_001042425.3); short protein forms T390K, T392K, T398K.
Identifiers: ClinVar variation 4540115 (VCV004540115.1).
Genomic context (GRCh38, chr6:10,398,544, plus strand): 5'-TTGCTGAGGTACATTTTGTCCATGGCCTTGAGGGCCTCGGTGAGATAGTTCTGCAGGGCC[G>T]TGACCGCGGCACACACCGCGGGGCTGCCGAAGCCGTGGGAGATGAGGTTGAAGTGGGTCA-3'
Protein context (NP_001358995.1, residues 388-408): FGSPAVCAAV[Thr398Lys]ALQNYLTEAL